The following is an entry in ClinVar:

NM_016592.5(GNAS):c.258C>G (p.His86Gln)

Genes: GNAS (GNAS complex locus; plus strand), GNAS-AS1 (GNAS antisense RNA 1; minus strand). Cytogenetic location: 20q13.32.
Variant type: single nucleotide variant.
Coding change: c.258C>G on transcript NM_016592.5 (MANE Plus Clinical); coding-DNA position 258, C replaced by G.
Protein change: p.His86Gln; replaces histidine 86 with glutamine.
Molecular consequence: missense variant. On other transcripts: 5 prime UTR variant (1).
Genome position (GRCh38, 1-based): chr20:58,840,364, C>G. VCF-style: chr20-58840364-C-G. GRCh37 (hg19) VCF-style: chr20-57415419-C-G.
Other names: c.-480C>G (NM_001410912.1); short protein forms H86Q.
Identifiers: ClinVar variation 4981089 (VCV004981089.1).
Genomic context (GRCh38, chr20:58,840,364, plus strand): 5'-CGCCCACCACCGCTCCGGCGCCCAGGTATTCCCTGAGTCCCCCGAATCGGAATCTGACCA[C>G]GAGCACGAGGAGGCAGACCTTGAGCTGTCCCTCCCCGAGTGCCTAGAGTACGAGGAAGAG-3'
Protein context (NP_057676.1, residues 76-96): FPESPESESD[His86Gln]EHEEADLELS

ClinVar aggregate classification (germline): Uncertain significance (1 of 4 stars; one submission).

Conditions:
GNAS-related disorder. Identifiers: MedGen CN380105.

gnomAD v4.1: 7 of 1,613,206 alleles (0.00043%); highest among the groups gnomAD compares: Non-Finnish European, 0.00059%; no homozygotes.

Submission:

PreventionGenetics, part of Exact Sciences
Classification: Uncertain significance for GNAS-related condition. Last evaluated: 2026-08-28. Review status: criteria provided, single submitter. Criteria: ACMG Guidelines, 2015. Collection method: clinical testing. Allele origin: germline.
Comment: The GNAS c.258C>G variant is predicted to result in the amino acid substitution p.His86Gln. To our knowledge, this variant has not been reported in the literature. This variant is reported in 0.00089% of alleles in individuals of European (Non-Finnish) descent in gnomAD. At this time, the clinical significance of this variant is uncertain due to the absence of conclusive functional and genetic evidence.